The following is an entry in ClinVar:

NM_001942.4(DSG1):c.3107G>A (p.Arg1036Gln)

Genes: DSG1 (desmoglein 1; plus strand), DSG1-AS1 (DSG1 antisense RNA 1; minus strand). Cytogenetic location: 18q12.1.
Variant type: single nucleotide variant.
Coding change: c.3107G>A on transcript NM_001942.4 (MANE Select); coding-DNA position 3107, G replaced by A.
Protein change: p.Arg1036Gln; replaces arginine 1036 with glutamine.
Molecular consequence: missense variant.
Genome position (GRCh38, 1-based): chr18:31,355,303, G>A. VCF-style: chr18-31355303-G-A. GRCh37 (hg19) VCF-style: chr18-28935266-G-A.
Other names: c.3107G>A (NM_001942.2); short protein forms R1036Q.
Identifiers: ClinVar variation 1345137 (VCV001345137.7), dbSNP rs778003137, ClinGen allele CA8926522.

ClinVar aggregate classification (germline): Uncertain significance. Review status: criteria provided, multiple submitters, no conflicts (2 of 4 stars). 2 submissions from 2 submitters: Uncertain significance (2). Last evaluated 2025-12-10.

Conditions:
Inborn genetic diseases. Identifiers: MedGen C0950123, MeSH D030342.

Allele frequency attached by ClinVar (database versions not stated): ExAC 0.00002.

Submissions (2):

Labcorp Genetics (formerly Invitae), Labcorp
Classification: Uncertain significance. Last evaluated: 2025-12-10. Review status: criteria provided, single submitter. Criteria: Invitae Variant Classification Sherloc (09022015). Collection method: clinical testing. Allele origin: germline.
Comment: This sequence change replaces arginine, which is basic and polar, with glutamine, which is neutral and polar, at codon 1036 of the DSG1 protein (p.Arg1036Gln). This variant is present in population databases (rs778003137, gnomAD 0.008%). This variant has not been reported in the literature in individuals affected with DSG1-related conditions. ClinVar contains an entry for this variant (Variation ID: 1345137). An algorithm developed to predict the effect of missense changes on protein structure and function (PolyPhen-2) suggests that this variant is likely to be disruptive. In summary, the available evidence is currently insufficient to determine the role of this variant in disease. Therefore, it has been classified as a Variant of Uncertain Significance.

Ambry Genetics
Classification: Uncertain significance for Inborn genetic diseases. Last evaluated: 2025-07-01. Review status: criteria provided, single submitter. Criteria: Ambry Variant Classification Scheme 2023. Collection method: clinical testing. Allele origin: germline.